The following is an entry in ClinVar:

NM_004006.3(DMD):c.6971G>A (p.Gly2324Glu)

Gene: DMD (dystrophin; minus strand). Cytogenetic location: Xp21.1.
Variant type: single nucleotide variant.
Coding change: c.6971G>A on transcript NM_004006.3 (MANE Select); coding-DNA position 6971, G replaced by A.
Protein change: p.Gly2324Glu; replaces glycine 2324 with glutamic acid.
Molecular consequence: missense variant. On other transcripts: 5 prime UTR variant (5).
Genome position (GRCh38, 1-based): chrX:31,875,315, C>T on the plus strand (G>A on the coding strand, the complement: DMD is on the minus strand). VCF-style: chrX-31875315-C-T. GRCh37 (hg19) VCF-style: chrX-31893432-C-T.
Other names: c.6947G>A, p.Gly2316Glu (NM_000109.4); c.6959G>A, p.Gly2320Glu (NM_004009.3); c.6602G>A, p.Gly2201Glu (NM_004010.3); c.2948G>A, p.Gly983Glu (NM_004011.4); c.2939G>A, p.Gly980Glu (NM_004012.4); c.-410G>A (NM_004013.3, NM_004020.4, NM_004021.3 and 2 more transcripts); short protein forms G2201E, G2316E, G2320E, G2324E, G983E, G980E.
Identifiers: ClinVar variation 3713091 (VCV003713091.2).

ClinVar aggregate classification (germline): Uncertain significance (1 of 4 stars; one submission).

Conditions:
Duchenne muscular dystrophy (DMD). Also called: MUSCULAR DYSTROPHY, PSEUDOHYPERTROPHIC PROGRESSIVE, DUCHENNE TYPE; Duchenne Muscular Dystrophy (DMD). Identifiers: Orphanet 98896, MedGen C0013264, MONDO:0010679, OMIM 310200.

gnomAD v4.1: 2 of 1,201,788 alleles (0.00017%); highest among the groups gnomAD compares: Non-Finnish European, 0.00022%; no homozygotes.

Submission:

Labcorp Genetics (formerly Invitae), Labcorp
Classification: Uncertain significance for Duchenne muscular dystrophy. Last evaluated: 2024-06-17. Review status: criteria provided, single submitter. Criteria: Invitae Variant Classification Sherloc (09022015). Collection method: clinical testing. Allele origin: germline.
Comment: This sequence change replaces glycine, which is neutral and non-polar, with glutamic acid, which is acidic and polar, at codon 2324 of the DMD protein (p.Gly2324Glu). This variant is not present in population databases (gnomAD no frequency). This variant has not been reported in the literature in individuals affected with DMD-related conditions. Advanced modeling of protein sequence and biophysical properties (such as structural, functional, and spatial information, amino acid conservation, physicochemical variation, residue mobility, and thermodynamic stability) performed at Invitae indicates that this missense variant is not expected to disrupt DMD protein function with a negative predictive value of 95%. In summary, the available evidence is currently insufficient to determine the role of this variant in disease. Therefore, it has been classified as a Variant of Uncertain Significance.